The following is an entry in ClinVar:

ClinVar aggregate classification (germline): Uncertain significance. Review status: criteria provided, multiple submitters, no conflicts (2 of 4 stars). 2 submissions from 2 submitters: Uncertain significance (2). Last evaluated 2020-01-14.

Conditions:
Hereditary cancer-predisposing syndrome. Also called: Hereditary neoplastic syndrome; Tumor predisposition; Neoplastic Syndromes, Hereditary; Hereditary Cancer Syndrome. Identifiers: Orphanet 140162, MedGen C0027672, MeSH D009386, MONDO:0015356.
Familial adenomatous polyposis 1 (FAP1). Also called: FAMILIAL ADENOMATOUS POLYPOSIS 1, ATTENUATED; POLYPOSIS, ADENOMATOUS INTESTINAL. Identifiers: MedGen C2713442, MONDO:0021056, OMIM 175100. Disease mechanism: loss of function.

Submissions (2):

Ambry Genetics
Classification: Uncertain significance for Hereditary cancer-predisposing syndrome. Last evaluated: 2020-01-14. Review status: criteria provided, single submitter. Criteria: Ambry Variant Classification Scheme 2023. Collection method: clinical testing. Allele origin: germline.
Comment: The p.G2672V variant (also known as c.8015G>T), located in coding exon 15 of the APC gene, results from a G to T substitution at nucleotide position 8015. The glycine at codon 2672 is replaced by valine, an amino acid with dissimilar properties. This amino acid position is well conserved in available vertebrate species. In addition, in silico predictors for this gene do not accurately predict pathogenicity. Since supporting evidence is limited at this time, the clinical significance of this alteration remains unclear.

Labcorp Genetics (formerly Invitae), Labcorp
Classification: Uncertain significance for Familial adenomatous polyposis 1. Last evaluated: 2018-11-21. Review status: criteria provided, single submitter. Criteria: Invitae Variant Classification Sherloc (09022015). Collection method: clinical testing. Allele origin: germline.
Comment: In summary, the available evidence is currently insufficient to determine the role of this variant in disease. Therefore, it has been classified as a Variant of Uncertain Significance. Algorithms developed to predict the effect of sequence changes on RNA splicing suggest that this variant may create or strengthen a splice site, but this prediction has not been confirmed by published transcriptional studies. Algorithms developed to predict the effect of missense changes on protein structure and function are either unavailable or do not agree on the potential impact of this missense change (SIFT: "Deleterious"; PolyPhen-2: "Probably Damaging"; Align-GVGD: "Class C0"). This variant has not been reported in the literature in individuals with APC-related disease. This variant is not present in population databases (ExAC no frequency). This sequence change replaces glycine with valine at codon 2672 of the APC protein (p.Gly2672Val). The glycine residue is highly conserved and there is a moderate physicochemical difference between glycine and valine.

NM_000038.6(APC):c.8015G>T (p.Gly2672Val)

Gene: APC (APC regulator of Wnt signaling pathway; plus strand). Cytogenetic location: 5q22.2.
Variant type: single nucleotide variant.
Coding change: c.8015G>T on transcript NM_000038.6 (MANE Select); coding-DNA position 8015, G replaced by T.
Protein change: p.Gly2672Val; replaces glycine 2672 with valine.
Molecular consequence: missense variant.
Genome position (GRCh38, 1-based): chr5:112,843,609, G>T. VCF-style: chr5-112843609-G-T. GRCh37 (hg19) VCF-style: chr5-112179306-G-T.
Other names: c.8015G>T, p.Gly2672Val (NM_001127510.3, NM_001354895.2); c.7961G>T, p.Gly2654Val (NM_001127511.3); c.8069G>T, p.Gly2690Val (NM_001354896.2); c.8045G>T, p.Gly2682Val (NM_001354897.2); c.7940G>T, p.Gly2647Val (NM_001354898.2); c.7931G>T, p.Gly2644Val (NM_001354899.2); c.7892G>T, p.Gly2631Val (NM_001354900.2); c.7838G>T, p.Gly2613Val (NM_001354901.2); and 5 more; short protein forms G2644V, G2690V, G2571V, G2581V, G2672V, G2682V, G2613V, G2654V.
Identifiers: ClinVar variation 655058 (VCV000655058.12), dbSNP rs761802169, ClinGen allele CA16038743.